The following is an entry in ClinVar:

ClinVar aggregate classification (germline): Uncertain significance (1 of 4 stars; one submission).

Allele frequency attached by ClinVar (database versions not stated): gnomAD exomes below 0.00001.
gnomAD v4.1: 1 of 1,614,070 alleles (0.000062%); highest among the groups gnomAD compares: South Asian, 0.0011%; no homozygotes.

Submission:

GeneDx
Classification: Uncertain significance. Last evaluated: 2016-11-15. Review status: criteria provided, single submitter. Criteria: GeneDx Variant Classification (06012015). Collection method: clinical testing. Allele origin: germline. Affected: yes.
Comment: The T249A variant has not been published as a pathogenic variant, nor has it been reported as a benign variant to our knowledge. The T249A variant was not observed in approximately 6500 individuals of European and African American ancestry in the NHLBI Exome Sequencing Project, indicating it is not a common benign variant in these populations. The T249A variant is a non-conservative amino acid substitution, which is likely to impact secondary protein structure as these residues differ in polarity, charge, size and/or other properties. This substitution occurs at a position that is conserved across species. In silico analysis predicts this variant is probably damaging to the protein structure/function. In summary, based on the currently available information, it is unclear whether this variant is a pathogenic variant or a rare benign variant.

NM_003849.4(SUCLG1):c.745A>G (p.Thr249Ala)

Gene: SUCLG1 (succinate-CoA ligase GDP/ADP-forming subunit alpha; minus strand). Cytogenetic location: 2p11.2.
Variant type: single nucleotide variant.
Coding change: c.745A>G on transcript NM_003849.4 (MANE Select); coding-DNA position 745, A replaced by G.
Protein change: p.Thr249Ala; replaces threonine 249 with alanine.
Molecular consequence: missense variant.
Genome position (GRCh38, 1-based): chr2:84,431,588, T>C on the plus strand (A>G on the coding strand, the complement: SUCLG1 is on the minus strand). VCF-style: chr2-84431588-T-C. GRCh37 (hg19) VCF-style: chr2-84658712-T-C.
Other names: short protein forms T249A.
Identifiers: ClinVar variation 373348 (VCV000373348.1), dbSNP rs1057518365, ClinGen allele CA16042447.